The following is an entry in ClinVar:

NM_000094.4(COL7A1):c.2171-3C>T

Gene: COL7A1 (collagen type VII alpha 1 chain; minus strand). Cytogenetic location: 3p21.31.
Variant type: single nucleotide variant.
Coding change: c.2171-3C>T on transcript NM_000094.4 (MANE Select); 3 bases into the intron before coding-DNA position 2171, C replaced by T.
Molecular consequence: intron variant.
Genome position (GRCh38, 1-based): chr3:48,589,473, G>A on the plus strand (C>T on the coding strand, the complement: COL7A1 is on the minus strand). VCF-style: chr3-48589473-G-A. GRCh37 (hg19) VCF-style: chr3-48626906-G-A.
Identifiers: ClinVar variation 1943119 (VCV001943119.3), dbSNP rs753398970, ClinGen allele CA2380969.
Genomic context (GRCh38, chr3:48,589,473, plus strand): 5'-AGTCCATCCAGCTCAGCCACCGTGGCCTCCCCAGAAACCAACTGGGATTTCTCTGGGCCT[G>A]GGAACAGGGATGGAGGCAGCTCCAGGGCTAGCAAACTCTGTGCCCCAGAGCCCCACCTGG-3'

ClinVar aggregate classification (germline): Uncertain significance (1 of 4 stars; one submission).

Allele frequency attached by ClinVar (database versions not stated): gnomAD exomes below 0.00001; ExAC 0.00001.
gnomAD v4.1: 4 of 1,613,554 alleles (0.00025%); highest among the groups gnomAD compares: South Asian, 0.0033%; no homozygotes.

Submission:

Labcorp Genetics (formerly Invitae), Labcorp
Classification: Uncertain significance. Last evaluated: 2023-07-17. Review status: criteria provided, single submitter. Criteria: Invitae Variant Classification Sherloc (09022015). Collection method: clinical testing. Allele origin: germline.
Comment: This sequence change falls in intron 16 of the COL7A1 gene. It does not directly change the encoded amino acid sequence of the COL7A1 protein. It affects a nucleotide within the consensus splice site. This variant is present in population databases (rs753398970, gnomAD 0.006%). This variant has not been reported in the literature in individuals affected with COL7A1-related conditions. ClinVar contains an entry for this variant (Variation ID: 1943119). Variants that disrupt the consensus splice site are a relatively common cause of aberrant splicing (PMID: 17576681, 9536098). Algorithms developed to predict the effect of sequence changes on RNA splicing suggest that this variant is not likely to affect RNA splicing. In summary, the available evidence is currently insufficient to determine the role of this variant in disease. Therefore, it has been classified as a Variant of Uncertain Significance.

Literature cited by the submitters: PubMed 17576681; PubMed 9536098.